The following is an entry in ClinVar:

ClinVar aggregate classification (germline): Pathogenic (1 of 4 stars; one submission).

Conditions:
Salla disease (SD). Also called: Sialuria, Finnish type; N-acetylneuraminic acid (NANA) storage disease (NSD); Infantile sialic acid storage disorder (ISSD); Less Severe FSASD (Salla Disease). Identifiers: Orphanet 309334, Orphanet 834, MedGen C1096903, MONDO:0011449, OMIM 604369.

Submission:

Labcorp Genetics (formerly Invitae), Labcorp
Classification: Pathogenic for Salla disease. Last evaluated: 2025-10-07. Review status: criteria provided, single submitter. Criteria: Invitae Variant Classification Sherloc (09022015). Collection method: clinical testing. Allele origin: germline.
Comment: This sequence change creates a premature translational stop signal (p.Pro252Thrfs*10) in the SLC17A5 gene. It is expected to result in an absent or disrupted protein product. Loss-of-function variants in SLC17A5 are known to be pathogenic (PMID: 10581036, 10947946, 15172001). This variant is not present in population databases (gnomAD no frequency). This variant has not been reported in the literature in individuals affected with SLC17A5-related conditions. For these reasons, this variant has been classified as Pathogenic.

Literature cited by the submitters: PubMed 10581036; PubMed 10947946; PubMed 15172001.

NM_012434.5(SLC17A5):c.753_754del (p.Pro252fs)

Gene: SLC17A5 (solute carrier family 17 member 5; minus strand). Cytogenetic location: 6q13.
Variant type: Microsatellite.
Coding change: c.753_754del on transcript NM_012434.5 (MANE Select); coding-DNA positions 753 to 754, 2 bases deleted (AC; older notation c.753_754delAC).
Protein change: p.Pro252fs; shifts the reading frame from proline 252.
Molecular consequence: frameshift variant.
Genome position (GRCh38, 1-based): chr6:73,635,447-73,635,448, GT deleted on the plus strand (AC on the coding strand, the reverse complement: SLC17A5 is on the minus strand); deleting any 2 consecutive bases within chr6:73,635,447-73,635,452 gives the same sequence; the c. name uses the placement nearest the transcript's 3' end. VCF-style (leftmost placement, unchanged base first): chr6-73635446-GGT-G. GRCh37 (hg19) VCF-style: chr6-74345169-GGT-G.
Other names: c.522_523del, p.Pro175fs (NM_001382629.1); c.753_754del, p.Pro252fs (NM_001382630.1, NM_001382633.1, NM_001382634.1); c.774_775del, p.Pro259fs (NM_001382631.1); c.666_667del, p.Pro223fs (NM_001382632.1); c.750_751del, p.Pro251fs (NM_001382635.1); c.435_436del, p.Pro146fs (NM_001382636.1); short protein forms P223fs, P259fs, P175fs, P251fs, P146fs, P252fs.
Identifiers: ClinVar variation 4728684 (VCV004728684.1).